The following is an entry in ClinVar:

NM_006269.2(RP1):c.629dup (p.Ala211fs)

Gene: RP1 (RP1 axonemal microtubule associated; plus strand). Cytogenetic location: 8q12.1.
Variant type: Duplication.
Coding change: c.629dup on transcript NM_006269.2 (MANE Select); coding-DNA position 629, one base duplicated (A; older notation c.629dupA).
Protein change: p.Ala211fs; shifts the reading frame from alanine 211.
Molecular consequence: frameshift variant.
Genome position (GRCh38, 1-based): chr8:54,622,130, A duplicated. VCF-style (leftmost placement, unchanged base first): chr8-54622129-C-CA. GRCh37 (hg19) VCF-style: chr8-55534689-C-CA.
Other names: c.629dup, p.Ala211fs (NM_001375654.1); short protein forms A211fs.
Identifiers: ClinVar variation 2695351 (VCV002695351.3), dbSNP rs2536560109, ClinGen allele CA2697549938.
Genomic context (GRCh38, chr8:54,622,129, plus strand): 5'-TAGTATAAAATGTGCTCATCTCAGGATAATGACTCTGGTCTCTTTTAGGTTCCCAGCCTC[C>CA]AGGCAGTGATCCTGAGCTCTGGAGCTGTGGTGGCGGCAGGAAGGGAGCCATTTAAACCAG-3'

ClinVar aggregate classification (germline): Pathogenic (1 of 4 stars; one submission).

Submission:

Labcorp Genetics (formerly Invitae), Labcorp
Classification: Pathogenic. Last evaluated: 2026-01-26. Review status: criteria provided, single submitter. Criteria: Invitae Variant Classification Sherloc (09022015). Collection method: clinical testing. Allele origin: germline.
Comment: This sequence change creates a premature translational stop signal (p.Ala211Glyfs*18) in the RP1 gene. It is expected to result in an absent or disrupted protein product. Loss-of-function variants in RP1 are known to be pathogenic (PMID: 11960024, 19933189). This variant is not present in population databases (gnomAD no frequency). This variant has not been reported in the literature in individuals affected with RP1-related conditions. ClinVar contains an entry for this variant (Variation ID: 2695351). For these reasons, this variant has been classified as Pathogenic.

Literature cited by the submitters: PubMed 11960024; PubMed 19933189.